The following is an entry in ClinVar:

NM_002497.4(NEK2):c.668A>G (p.Glu223Gly)

Gene: NEK2 (NIMA related kinase 2; minus strand). Cytogenetic location: 1q32.3.
Variant type: single nucleotide variant.
Coding change: c.668A>G on transcript NM_002497.4 (MANE Select); coding-DNA position 668, A replaced by G.
Protein change: p.Glu223Gly; replaces glutamic acid 223 with glycine.
Molecular consequence: missense variant.
Genome position (GRCh38, 1-based): chr1:211,670,378, T>C on the plus strand (A>G on the coding strand, the complement: NEK2 is on the minus strand). VCF-style: chr1-211670378-T-C. GRCh37 (hg19) VCF-style: chr1-211843720-T-C.
Other names: c.668A>G, p.Glu223Gly (NM_001204182.2, NM_001204183.2); short protein forms E223G.
Identifiers: ClinVar variation 3630840 (VCV003630840.2).
Genomic context (GRCh38, chr1:211,670,378, plus strand): 5'-TCATCAGAGTAACGGTATGGAATTCGCCTGAATTTGCCTTCTCTGATTTTCCCAGCGAGT[T>C]CTTTCTGGCTAAAAGCTGTAAATGGAGGCCTAGGGTTAAAAAAGAAGAAGAAGACGACGA-3'
Protein context (NP_002488.1, residues 213-233): MPPFTAFSQK[Glu223Gly]LAGKIREGKF

ClinVar aggregate classification (germline): Uncertain significance (1 of 4 stars; one submission).

Submission:

Labcorp Genetics (formerly Invitae), Labcorp
Classification: Uncertain significance. Last evaluated: 2025-03-27. Review status: criteria provided, single submitter. Criteria: Invitae Variant Classification Sherloc (09022015). Collection method: clinical testing. Allele origin: germline.
Comment: This sequence change replaces glutamic acid, which is acidic and polar, with glycine, which is neutral and non-polar, at codon 223 of the NEK2 protein (p.Glu223Gly). This variant is not present in population databases (gnomAD no frequency). This variant has not been reported in the literature in individuals affected with NEK2-related conditions. An algorithm developed to predict the effect of missense changes on protein structure and function (PolyPhen-2) suggests that this variant is likely to be tolerated. In summary, the available evidence is currently insufficient to determine the role of this variant in disease. Therefore, it has been classified as a Variant of Uncertain Significance.